The following is an entry in ClinVar:

NM_181458.4(PAX3):c.448T>C (p.Ser150Pro)

Gene: PAX3 (paired box 3; minus strand). Cytogenetic location: 2q36.1.
Variant type: single nucleotide variant.
Coding change: c.448T>C on transcript NM_181458.4 (MANE Select); coding-DNA position 448, T replaced by C.
Protein change: p.Ser150Pro; replaces serine 150 with proline.
Molecular consequence: missense variant.
Genome position (GRCh38, 1-based): chr2:222,295,531, A>G on the plus strand (T>C on the coding strand, the complement: PAX3 is on the minus strand). VCF-style: chr2-222295531-A-G. GRCh37 (hg19) VCF-style: chr2-223160250-A-G.
Other names: c.448T>C, p.Ser150Pro (NM_000438.6, NM_013942.5, NM_181457.4 and 3 more transcripts); c.445T>C, p.Ser149Pro (NM_001127366.3); short protein forms S149P, S150P.
Identifiers: ClinVar variation 1309458 (VCV001309458.7), dbSNP rs1053406912, ClinGen allele CA66340495.
Genomic context (GRCh38, chr2:222,295,531, plus strand): 5'-GCCGGGGTAATAGCGACTGACTGTCGCGCCTCGGGGAGAGGTTAATGGGCCTAGTACCTG[A>G]CGGCACGGTGTTTCGATCACAGACCGCGTCCTTGAGTAATTTGTCTCGGATTTCCCAGCT-3'
Protein context (NP_852123.1, residues 140-160): DAVCDRNTVP[Ser150Pro]VSSISRILRS

ClinVar aggregate classification (germline): Uncertain significance. Review status: criteria provided, multiple submitters, no conflicts (2 of 4 stars). 2 submissions from 2 submitters: Uncertain significance (2). Last evaluated 2022-06-27.

Submissions (2):

Labcorp Genetics (formerly Invitae), Labcorp
Classification: Uncertain significance. Last evaluated: 2022-06-27. Review status: criteria provided, single submitter. Criteria: Invitae Variant Classification Sherloc (09022015). Collection method: clinical testing. Allele origin: germline.
Comment: This sequence change replaces serine, which is neutral and polar, with proline, which is neutral and non-polar, at codon 150 of the PAX3 protein (p.Ser150Pro). This variant is not present in population databases (gnomAD no frequency). This variant has not been reported in the literature in individuals affected with PAX3-related conditions. ClinVar contains an entry for this variant (Variation ID: 1309458). Algorithms developed to predict the effect of missense changes on protein structure and function are either unavailable or do not agree on the potential impact of this missense change (SIFT: "Deleterious"; PolyPhen-2: "Benign"; Align-GVGD: "Class C0"). In summary, the available evidence is currently insufficient to determine the role of this variant in disease. Therefore, it has been classified as a Variant of Uncertain Significance.

GeneDx
Classification: Uncertain significance. Last evaluated: 2019-10-29. Review status: criteria provided, single submitter. Criteria: GeneDx Variant Classification Process June 2021. Collection method: clinical testing. Allele origin: germline. Affected: yes.
Comment: Not observed in large population cohorts (Lek et al., 2016); In silico analysis, which includes protein predictors and evolutionary conservation, supports a deleterious effect; Has not been previously published as pathogenic or benign to our knowledge